The following is an entry in ClinVar:

ClinVar aggregate classification (germline): Conflicting classifications of pathogenicity. Review status: criteria provided, conflicting classifications (1 of 4 stars). 4 submissions from 4 submitters: Uncertain significance (1); Likely benign (3). Last evaluated 2026-01-18.

Conditions:
FLNB-Related Spectrum Disorders.

Allele frequency attached by ClinVar (database versions not stated): gnomAD exomes 0.00005 and 0.00006; ExAC 0.00008; ESP Exome Variant Server 0.00008; gnomAD 0.00011; TOPMed 0.00012.
gnomAD v4.1: 96 of 1,613,956 alleles (0.0059%); highest among the groups gnomAD compares: African/African-American, 0.008%; no homozygotes.

Submissions (4):

Labcorp Genetics (formerly Invitae), Labcorp
Classification: Likely benign. Last evaluated: 2026-01-18. Review status: criteria provided, single submitter. Criteria: Invitae Variant Classification Sherloc (09022015). Collection method: clinical testing. Allele origin: germline.

ARUP Laboratories, Molecular Genetics and Genomics, ARUP Laboratories
Classification: Likely benign. Last evaluated: 2024-09-06. Review status: criteria provided, single submitter. Criteria: ARUP Molecular Germline Variant Investigation Process 2024. Collection method: clinical testing. Allele origin: germline.

Illumina Laboratory Services, Illumina
Classification: Uncertain significance for FLNB-Related Spectrum Disorders. Last evaluated: 2018-01-13. Review status: criteria provided, single submitter. Criteria: ICSL Variant Classification Criteria 13 December 2019. Collection method: clinical testing. Allele origin: germline.

GeneDx
Classification: Likely benign. Last evaluated: 2017-04-06. Review status: criteria provided, single submitter. Criteria: GeneDx Variant Classification (06012015). Collection method: clinical testing. Allele origin: germline. Affected: yes.
Comment: This variant is considered likely benign or benign based on one or more of the following criteria: it is a conservative change, it occurs at a poorly conserved position in the protein, it is predicted to be benign by multiple in silico algorithms, and/or has population frequency not consistent with disease.

NM_001457.4(FLNB):c.762G>A (p.Pro254=)

Gene: FLNB (filamin B; plus strand). Cytogenetic location: 3p14.3.
Variant type: single nucleotide variant.
Coding change: c.762G>A on transcript NM_001457.4 (MANE Select); coding-DNA position 762, G replaced by A.
Protein change: p.Pro254=; no amino-acid change (proline 254 retained).
Molecular consequence: synonymous variant.
Genome position (GRCh38, 1-based): chr3:58,081,751, G>A. VCF-style: chr3-58081751-G-A. GRCh37 (hg19) VCF-style: chr3-58067478-G-A.
Other names: c.762G>A, p.Pro254= (NM_001164317.2, NM_001164318.2, NM_001164319.2).
Identifiers: ClinVar variation 508835 (VCV000508835.13), dbSNP rs371715057, ClinGen allele CA2467611.